The following is an entry in ClinVar:

NM_024675.4(PALB2):c.485G>A (p.Cys162Tyr)

Gene: PALB2 (partner and localizer of BRCA2; minus strand). Cytogenetic location: 16p12.2.
Variant type: single nucleotide variant.
Coding change: c.485G>A on transcript NM_024675.4 (MANE Select); coding-DNA position 485, G replaced by A.
Protein change: p.Cys162Tyr; replaces cysteine 162 with tyrosine.
Molecular consequence: missense variant.
Genome position (GRCh38, 1-based): chr16:23,636,061, C>T on the plus strand (G>A on the coding strand, the complement: PALB2 is on the minus strand). VCF-style: chr16-23636061-C-T. GRCh37 (hg19) VCF-style: chr16-23647382-C-T.
Other names: short protein forms C162Y.
Identifiers: ClinVar variation 461006 (VCV000461006.11), dbSNP rs1555461779, ClinGen allele CA395137100.

ClinVar aggregate classification (germline): Uncertain significance (1 of 4 stars; one submission).

Conditions:
Familial cancer of breast. Also called: BREAST CANCER, FAMILIAL; Hereditary breast cancer; hereditary breast carcinoma. Identifiers: Orphanet 227535, MedGen C0346153, MONDO:0016419, OMIM 114480. Disease mechanism: loss of function.

Submission:

Labcorp Genetics (formerly Invitae), Labcorp
Classification: Uncertain significance for Familial cancer of breast. Last evaluated: 2026-01-05. Review status: criteria provided, single submitter. Criteria: Invitae Variant Classification Sherloc (09022015). Collection method: clinical testing. Allele origin: germline.
Comment: This sequence change replaces cysteine, which is neutral and slightly polar, with tyrosine, which is neutral and polar, at codon 162 of the PALB2 protein (p.Cys162Tyr). This variant is not present in population databases (gnomAD no frequency). This variant has not been reported in the literature in individuals affected with PALB2-related conditions. ClinVar contains an entry for this variant (Variation ID: 461006). An algorithm developed to predict the effect of missense changes on protein structure and function (PolyPhen-2) suggests that this variant is likely to be tolerated. In summary, the available evidence is currently insufficient to determine the role of this variant in disease. Therefore, it has been classified as a Variant of Uncertain Significance.